The following is an entry in ClinVar:

ClinVar aggregate classification (germline): Uncertain significance (1 of 4 stars; one submission).

Conditions:
KIDINS220-related disorder. Also called: KIDINS220-related condition.

gnomAD v4.1: 1 of 1,599,238 alleles (0.000063%); highest among the groups gnomAD compares: Non-Finnish European, 0.000085%; no homozygotes.

Submission:

PreventionGenetics, part of Exact Sciences
Classification: Uncertain significance for KIDINS220-related condition. Last evaluated: 2026-01-29. Review status: criteria provided, single submitter. Criteria: ACMG Guidelines, 2015. Collection method: clinical testing. Allele origin: germline.
Comment: The KIDINS220 c.452A>G variant is predicted to result in the amino acid substitution p.Asp151Gly. To our knowledge, this variant has not been reported in the literature or in a large population database (gnomAD), indicating this variant is rare. At this time, the clinical significance of this variant is uncertain due to the absence of conclusive functional and genetic evidence.

NM_020738.4(KIDINS220):c.452A>G (p.Asp151Gly)

Gene: KIDINS220 (kinase D interacting substrate 220; minus strand). Cytogenetic location: 2p25.1.
Variant type: single nucleotide variant.
Coding change: c.452A>G on transcript NM_020738.4 (MANE Select); coding-DNA position 452, A replaced by G.
Protein change: p.Asp151Gly; replaces aspartic acid 151 with glycine.
Molecular consequence: missense variant. On other transcripts: non-coding transcript variant (2).
Genome position (GRCh38, 1-based): chr2:8,812,447, T>C on the plus strand (A>G on the coding strand, the complement: KIDINS220 is on the minus strand). VCF-style: chr2-8812447-T-C. GRCh37 (hg19) VCF-style: chr2-8952577-T-C.
Other names: c.455A>G, p.Asp152Gly (NM_001348729.2, NM_001348731.2, NM_001348734.2 and 3 more transcripts); c.452A>G, p.Asp151Gly (NM_001348732.2, NM_001348735.2, NM_001348738.2 and 3 more transcripts); c.326A>G, p.Asp109Gly (NM_001348736.2); short protein forms D151G, D152G, D109G.
Identifiers: ClinVar variation 4983116 (VCV004983116.1).
Genomic context (GRCh38, chr2:8,812,447, plus strand): 5'-TGACCTACCTTATCAGAGCAGTTGACTTTAGCACCATTTTGCAGTAAAAGATGAACTATA[T>C]CTGCATGGCCTCTCCCTGCTGCCCAAATGATTGGGTAAACACTGTACTGCTAGGATAGAT-3'
Protein context (NP_065789.1, residues 141-161): IIWAAGRGHA[Asp151Gly]IVHLLLQNGA